The following is an entry in ClinVar:

NM_004531.5(MOCS2):c.229A>G (p.Thr77Ala)

Gene: MOCS2 (molybdenum cofactor synthesis 2; minus strand). Cytogenetic location: 5q11.2.
Variant type: single nucleotide variant.
Coding change: c.229A>G on transcript NM_004531.5 (MANE Select); coding-DNA position 229, A replaced by G.
Protein change: p.Thr77Ala; replaces threonine 77 with alanine.
Molecular consequence: missense variant. On other transcripts: 3 prime UTR variant (1).
Genome position (GRCh38, 1-based): chr5:53,101,507, T>C on the plus strand (A>G on the coding strand, the complement: MOCS2 is on the minus strand). VCF-style: chr5-53101507-T-C. GRCh37 (hg19) VCF-style: chr5-52397337-T-C.
Other names: p.Thr77Ala; c.*149A>G (NM_176806.4); short protein forms T77A.
Identifiers: ClinVar variation 906271 (VCV000906271.14), dbSNP rs2233215, ClinGen allele CA3263668.

ClinVar aggregate classification (germline): Benign. Review status: criteria provided, multiple submitters, no conflicts (2 of 4 stars). 4 submissions from 4 submitters: Benign (4). Last evaluated 2026-02-04.

Conditions:
Sulfite oxidase deficiency due to molybdenum cofactor deficiency type B1 (MOCODB1). Also called: Molybdenum cofactor deficiency B; Molybdenum cofactor deficiency, complementation group B; MOLYBDENUM COFACTOR DEFICIENCY, TYPE B1; Sulfite oxidase deficiency due to molybdenum cofactor deficiency type B. Identifiers: Orphanet 308393, Orphanet 833, MedGen C6065887, MONDO:0009644, OMIM 252160.

Allele frequency attached by ClinVar (database versions not stated): 1000 Genomes Project 0.00539; 1000 Genomes Project 30x 0.00562; ESP Exome Variant Server 0.00015; gnomAD exomes 0.00047 and 0.00206; gnomAD 0.00075 and 0.00093; TOPMed 0.00108; ExAC 0.00200.
gnomAD v4.1: 892 of 1,593,738 alleles (0.056%); highest among the groups gnomAD compares: East Asian, 1.5%; 12 homozygotes.

Submissions (4):

Labcorp Genetics (formerly Invitae), Labcorp
Classification: Benign. Last evaluated: 2026-02-04. Review status: criteria provided, single submitter. Criteria: Invitae Variant Classification Sherloc (09022015). Collection method: clinical testing. Allele origin: germline.

Mayo Clinic Laboratories, Mayo Clinic
Classification: Benign. Last evaluated: 2024-11-06. Review status: criteria provided, single submitter. Criteria: ACMG Guidelines, 2015. Collection method: clinical testing. Allele origin: germline. Observed: 1 variant allele.
Comment: BS1, BS2

Illumina Laboratory Services, Illumina
Classification: Benign for Sulfite oxidase deficiency due to molybdenum cofactor deficiency type B1. Last evaluated: 2018-01-13. Review status: criteria provided, single submitter. Criteria: ICSL Variant Classification Criteria 13 December 2019. Collection method: clinical testing. Allele origin: germline.
Comment: This variant was observed in the ICSL laboratory as part of a predisposition screen in an ostensibly healthy population. It had not been previously curated by ICSL or reported in the Human Gene Mutation Database (HGMD: prior to June 1st, 2018), and was therefore a candidate for classification through an automated scoring system. Utilizing variant allele frequency, disease prevalence and penetrance estimates, and inheritance mode, an automated score was calculated to assess if this variant is too frequent to cause the disease. Based on the score and internal cut-off values, a variant classified as benign is not then subjected to further curation. The score for this variant resulted in a classification of benign for this disease.

Breakthrough Genomics
Classification: Benign. Review status: criteria provided, single submitter. Criteria: ACMG Guidelines, 2015. Collection method: not provided. Allele origin: germline. Inheritance: Autosomal recessive inheritance. Affected: yes.